The following is an entry in ClinVar:

ClinVar aggregate classification (germline): Benign. Review status: criteria provided, multiple submitters, no conflicts (2 of 4 stars). 4 submissions from 4 submitters: Benign (3). 1 of the submissions does not count toward it. Last evaluated 2026-02-01.

Conditions:
IL2RB-related disorder. Also called: IL2RB-related condition.

Allele frequency attached by ClinVar (database versions not stated): gnomAD 0.03442 and 0.03219; TOPMed 0.03650; 1000 Genomes Project 0.03754; gnomAD exomes 0.00774 and 0.00301; ESP Exome Variant Server 0.03344; 1000 Genomes Project 30x 0.03951; ExAC 0.01532.

Submissions (4):

Labcorp Genetics (formerly Invitae), Labcorp
Classification: Benign. Last evaluated: 2026-02-01. Review status: criteria provided, single submitter. Criteria: Invitae Variant Classification Sherloc (09022015). Collection method: clinical testing. Allele origin: germline.

Mayo Clinic Laboratories, Mayo Clinic
Classification: Benign. Last evaluated: 2023-08-20. Review status: criteria provided, single submitter. Criteria: ACMG Guidelines, 2015. Collection method: clinical testing. Allele origin: germline. Observed: 20 variant alleles.

Breakthrough Genomics
Classification: Benign. Review status: criteria provided, single submitter. Criteria: ACMG Guidelines, 2015. Collection method: not provided. Allele origin: germline. Inheritance: Autosomal recessive inheritance. Affected: yes.

PreventionGenetics, part of Exact Sciences
Classification: Benign for IL2RB-related condition. Last evaluated: 2019-11-25. Review status: no assertion criteria provided. Collection method: clinical testing. Allele origin: germline. Not counted in ClinVar's aggregate classification.
Comment: This variant is classified as benign based on ACMG/AMP sequence variant interpretation guidelines (Richards et al. 2015 PMID: 25741868, with internal and published modifications).

NM_000878.5(IL2RB):c.88+3G>A

Gene: IL2RB (interleukin 2 receptor subunit beta; minus strand). Cytogenetic location: 22q12.3.
Variant type: single nucleotide variant.
Coding change: c.88+3G>A on transcript NM_000878.5 (MANE Select); 3 bases into the intron after coding-DNA position 88, G replaced by A.
Molecular consequence: intron variant.
Genome position (GRCh38, 1-based): chr22:37,144,082, C>T on the plus strand (G>A on the coding strand, the complement: IL2RB is on the minus strand). VCF-style: chr22-37144082-C-T. GRCh37 (hg19) VCF-style: chr22-37540122-C-T.
Other names: p.?; c.88+3G>A (NM_001346222.1, NM_001346223.2, NM_000878.4).
Identifiers: ClinVar variation 1170852 (VCV001170852.13), dbSNP rs228971, ClinGen allele CA10216772.